The following is an entry in ClinVar:

NM_000553.6(WRN):c.1433C>A (p.Ser478Tyr)

Gene: WRN (WRN RecQ like helicase; plus strand). Cytogenetic location: 8p12.
Variant type: single nucleotide variant.
Coding change: c.1433C>A on transcript NM_000553.6 (MANE Select); coding-DNA position 1433, C replaced by A.
Protein change: p.Ser478Tyr; replaces serine 478 with tyrosine.
Molecular consequence: missense variant.
Genome position (GRCh38, 1-based): chr8:31,087,777, C>A. VCF-style: chr8-31087777-C-A. GRCh37 (hg19) VCF-style: chr8-30945293-C-A.
Other names: short protein forms S478Y.
Identifiers: ClinVar variation 661965 (VCV000661965.9), dbSNP rs1585436633, ClinGen allele CA370924187.

ClinVar aggregate classification (germline): Uncertain significance. Review status: criteria provided, multiple submitters, no conflicts (2 of 4 stars). 3 submissions from 3 submitters: Uncertain significance (3). Last evaluated 2025-05-06.

Conditions:
Inborn genetic diseases. Identifiers: MedGen C0950123, MeSH D030342.
Werner syndrome (WRN). Identifiers: Orphanet 902, MedGen C0043119, MONDO:0010196, OMIM 277700.

gnomAD v4.1: 1 of 1,613,124 alleles (0.000062%); no homozygotes.

Submissions (3):

Ambry Genetics
Classification: Uncertain significance for Inborn genetic diseases. Last evaluated: 2025-05-06. Review status: criteria provided, single submitter. Criteria: Ambry Variant Classification Scheme 2023. Collection method: clinical testing. Allele origin: germline.

Labcorp Genetics (formerly Invitae), Labcorp
Classification: Uncertain significance for Werner syndrome. Last evaluated: 2024-11-27. Review status: criteria provided, single submitter. Criteria: Invitae Variant Classification Sherloc (09022015). Collection method: clinical testing. Allele origin: germline.
Comment: This sequence change replaces serine, which is neutral and polar, with tyrosine, which is neutral and polar, at codon 478 of the WRN protein (p.Ser478Tyr). This variant is not present in population databases (gnomAD no frequency). This variant has not been reported in the literature in individuals affected with WRN-related conditions. ClinVar contains an entry for this variant (Variation ID: 661965). An algorithm developed to predict the effect of missense changes on protein structure and function (PolyPhen-2) suggests that this variant is likely to be tolerated. In summary, the available evidence is currently insufficient to determine the role of this variant in disease. Therefore, it has been classified as a Variant of Uncertain Significance.

Fulgent Genetics
Classification: Uncertain significance for Werner syndrome. Last evaluated: 2024-01-18. Review status: criteria provided, single submitter. Criteria: ACMG Guidelines, 2015. Collection method: clinical testing. Allele origin: germline.